The following is an entry in ClinVar:

ClinVar aggregate classification (germline): Uncertain significance. Review status: criteria provided, multiple submitters, no conflicts (2 of 4 stars). 2 submissions from 2 submitters: Uncertain significance (2). Last evaluated 2025-08-11.

Conditions:
Hereditary cancer-predisposing syndrome. Also called: Hereditary neoplastic syndrome; Neoplastic Syndromes, Hereditary; Tumor predisposition; Hereditary Cancer Syndrome. Identifiers: Orphanet 140162, MedGen C0027672, MeSH D009386, MONDO:0015356.

gnomAD v4.1: 2 of 1,614,020 alleles (0.00012%); highest among the groups gnomAD compares: East Asian, 0.0022%; no homozygotes.

Submissions (2):

Ambry Genetics
Classification: Uncertain significance for Hereditary cancer-predisposing syndrome. Last evaluated: 2025-08-11. Review status: criteria provided, single submitter. Criteria: Ambry Variant Classification Scheme 2023. Collection method: clinical testing. Allele origin: germline.
Comment: The p.S1781N variant (also known as c.5342G>A), located in coding exon 39 of the POLE gene, results from a G to A substitution at nucleotide position 5342. The serine at codon 1781 is replaced by asparagine, an amino acid with highly similar properties. This amino acid position is conserved. In addition, this alteration is predicted to be tolerated by in silico analysis. Based on the available evidence, the clinical significance of this variant remains unclear.

Labcorp Genetics (formerly Invitae), Labcorp
Classification: Uncertain significance. Last evaluated: 2024-04-10. Review status: criteria provided, single submitter. Criteria: Invitae Variant Classification Sherloc (09022015). Collection method: clinical testing. Allele origin: germline.
Comment: This sequence change replaces serine, which is neutral and polar, with asparagine, which is neutral and polar, at codon 1781 of the POLE protein (p.Ser1781Asn). This variant is not present in population databases (gnomAD no frequency). This variant has not been reported in the literature in individuals affected with POLE-related conditions. ClinVar contains an entry for this variant (Variation ID: 2048034). Advanced modeling of protein sequence and biophysical properties (such as structural, functional, and spatial information, amino acid conservation, physicochemical variation, residue mobility, and thermodynamic stability) performed at Invitae indicates that this missense variant is not expected to disrupt POLE protein function with a negative predictive value of 80%. In summary, the available evidence is currently insufficient to determine the role of this variant in disease. Therefore, it has been classified as a Variant of Uncertain Significance.

NM_006231.4(POLE):c.5342G>A (p.Ser1781Asn)

Gene: POLE (DNA polymerase epsilon, catalytic subunit; minus strand). Cytogenetic location: 12q24.33.
Variant type: single nucleotide variant.
Coding change: c.5342G>A on transcript NM_006231.4 (MANE Select); coding-DNA position 5342, G replaced by A.
Protein change: p.Ser1781Asn; replaces serine 1781 with asparagine.
Molecular consequence: missense variant.
Genome position (GRCh38, 1-based): chr12:132,641,683, C>T on the plus strand (G>A on the coding strand, the complement: POLE is on the minus strand). VCF-style: chr12-132641683-C-T. GRCh37 (hg19) VCF-style: chr12-133218269-C-T.
Other names: c.5342G>A (NM_006231.2); short protein forms S1781N.
Identifiers: ClinVar variation 2048034 (VCV002048034.6), dbSNP rs1593727430, ClinGen allele CA387375831.
Genomic context (GRCh38, chr12:132,641,683, plus strand): 5'-ACTCCTTCCCAGAGAGGGTGGCACCTGAAGGTGTTAGAGCACAGGGCTGTCTCATCGTAG[C>T]TGGCCGGGGCACTGGCAGCCTGACCACCCGTGATCATGTCCTCCAGGGAGGCCTGCTGGA-3'
Protein context (NP_006222.2, residues 1771-1791): TGGQAASAPA[Ser1781Asn]YDETALCSNT